The following is an entry in ClinVar:

ClinVar aggregate classification (germline): Conflicting classifications of pathogenicity. Review status: criteria provided, conflicting classifications (1 of 4 stars). 2 submissions from 2 submitters: Uncertain significance (1); Likely benign (1). Last evaluated 2026-08-23.

Conditions:
Renal cell carcinoma. Identifiers: Orphanet 217071, MedGen C0007134, MeSH D002292, MONDO:0005086, HP:0005584.
Hereditary cancer-predisposing syndrome. Also called: Hereditary Cancer Syndrome; Neoplastic Syndromes, Hereditary; Hereditary neoplastic syndrome; Tumor predisposition. Identifiers: Orphanet 140162, MedGen C0027672, MeSH D009386, MONDO:0015356.

Submissions (2):

Ambry Genetics
Classification: Likely benign for Hereditary cancer-predisposing syndrome. Last evaluated: 2026-08-23. Review status: criteria provided, single submitter. Criteria: Ambry Variant Classification Scheme 2023. Collection method: clinical testing. Allele origin: germline.

Labcorp Genetics (formerly Invitae), Labcorp
Classification: Uncertain significance for Renal cell carcinoma. Last evaluated: 2021-03-23. Review status: criteria provided, single submitter. Criteria: Invitae Variant Classification Sherloc (09022015). Collection method: clinical testing. Allele origin: germline.
Comment: This variant has not been reported in the literature in individuals with MET-related conditions. In summary, the available evidence is currently insufficient to determine the role of this variant in disease. Therefore, it has been classified as a Variant of Uncertain Significance. Algorithms developed to predict the effect of missense changes on protein structure and function output the following: SIFT: "Tolerated"; PolyPhen-2: "Benign"; Align-GVGD: "Class C0". The proline amino acid residue is found in multiple mammalian species, suggesting that this missense change does not adversely affect protein function. These predictions have not been confirmed by published functional studies and their clinical significance is uncertain. This variant is not present in population databases (ExAC no frequency). This sequence change replaces leucine with proline at codon 552 of the MET protein (p.Leu552Pro). The leucine residue is weakly conserved and there is a moderate physicochemical difference between leucine and proline.

NM_000245.4(MET):c.1655T>C (p.Leu552Pro)

Gene: MET (MET proto-oncogene, receptor tyrosine kinase; plus strand). Cytogenetic location: 7q31.2.
Variant type: single nucleotide variant.
Coding change: c.1655T>C on transcript NM_000245.4 (MANE Select); coding-DNA position 1655, T replaced by C.
Protein change: p.Leu552Pro; replaces leucine 552 with proline.
Molecular consequence: missense variant.
Genome position (GRCh38, 1-based): chr7:116,740,979, T>C. VCF-style: chr7-116740979-T-C. GRCh37 (hg19) VCF-style: chr7-116381033-T-C.
Other names: c.1655T>C, p.Leu552Pro (NM_001127500.3, NM_001324401.3); c.365T>C, p.Leu122Pro (NM_001324402.2); c.1655T>C (NM_001127500.1); short protein forms L122P, L552P.
Identifiers: ClinVar variation 1437569 (VCV001437569.9), dbSNP rs2116837022, ClinGen allele CA368975704.